The following is an entry in ClinVar:

NM_001128178.3(NPHP1):c.1882C>T (p.Arg628Trp)

Gene: NPHP1 (nephrocystin 1; minus strand). Cytogenetic location: 2q13.
Variant type: single nucleotide variant.
Coding change: c.1882C>T on transcript NM_001128178.3 (MANE Select); coding-DNA position 1882, C replaced by T.
Protein change: p.Arg628Trp; replaces arginine 628 with tryptophan.
Molecular consequence: missense variant. On other transcripts: 3 prime UTR variant (1).
Genome position (GRCh38, 1-based): chr2:110,123,943, G>A on the plus strand (C>T on the coding strand, the complement: NPHP1 is on the minus strand). VCF-style: chr2-110123943-G-A. GRCh37 (hg19) VCF-style: chr2-110881520-G-A.
Other names: c.2050C>T, p.Arg684Trp (NM_000272.5); c.1693C>T, p.Arg565Trp (NM_001128179.3); c.1879C>T, p.Arg627Trp (NM_001374256.1); c.*124C>T (NM_001374257.1); c.2047C>T, p.Arg683Trp (NM_207181.4); short protein forms R565W, R627W, R684W, R628W, R683W.
Identifiers: ClinVar variation 942042 (VCV000942042.10), dbSNP rs141686332, ClinGen allele CA1826853.

ClinVar aggregate classification (germline): Uncertain significance. Review status: criteria provided, multiple submitters, no conflicts (2 of 4 stars). 4 submissions from 4 submitters: Uncertain significance (4). Last evaluated 2025-08-11.

Conditions:
Joubert syndrome with renal defect. Also called: JOUBERT SYNDROME 4. Identifiers: Orphanet 220497, MedGen C1846790, MONDO:0012308, OMIM 609583.
Senior-Loken syndrome 1 (SLSN1). Also called: JUVENILE NEPHRONOPHTHISIS WITH LEBER AMAUROSIS. Identifiers: Orphanet 3156, MedGen C4551559, MONDO:0009962, OMIM 266900.
Nephronophthisis 1 (NPHP1). Also called: Nephronophthisis familial juvenile. Identifiers: Orphanet 655, Orphanet 93592, MedGen C1855681, MONDO:0009728, OMIM 256100.
NPHP1-related disorder. Also called: NPHP1-related disorders; NPHP1-related condition.
Nephronophthisis. Also called: Juvenile Nephronophthisis. Identifiers: Orphanet 655, MedGen C0687120, MONDO:0019005, HP:0000090.

Allele frequency attached by ClinVar (database versions not stated): TOPMed 0.00001; ESP Exome Variant Server 0.00008.
gnomAD v4.1: 40 of 1,613,990 alleles (0.0025%); highest among the groups gnomAD compares: Non-Finnish European, 0.0031%; no homozygotes.

Submissions (4):

PreventionGenetics, part of Exact Sciences
Classification: Uncertain significance for NPHP1-related condition. Last evaluated: 2025-08-11. Review status: criteria provided, single submitter. Criteria: ACMG Guidelines, 2015. Collection method: clinical testing. Allele origin: germline.
Comment: The NPHP1 c.2050C>T variant is predicted to result in the amino acid substitution p.Arg684Trp. This variant was reported in heterozygous state in absence of second variant in an individual with kidney disease (as p.Arg683Trp, Supplemental Table, Petzold et al. 2023. PubMed ID: 37230223). This variant is reported in 0.0035% of alleles in individuals of European (Non-Finnish) descent in gnomAD. At this time, the clinical significance of this variant is uncertain due to the absence of conclusive functional and genetic evidence.

Fulgent Genetics
Classification: Uncertain significance for Nephronophthisis 1; Senior-Loken syndrome 1; Joubert syndrome with renal defect. Last evaluated: 2024-03-25. Review status: criteria provided, single submitter. Criteria: ACMG Guidelines, 2015. Collection method: clinical testing. Allele origin: germline.

Blueprint Genetics
Classification: Uncertain significance. Last evaluated: 2023-12-14. Review status: criteria provided, single submitter. Criteria: ACMG Guidelines, 2015. Collection method: clinical testing. Allele origin: germline.

Labcorp Genetics (formerly Invitae), Labcorp
Classification: Uncertain significance for Nephronophthisis. Last evaluated: 2022-08-09. Review status: criteria provided, single submitter. Criteria: Invitae Variant Classification Sherloc (09022015). Collection method: clinical testing. Allele origin: germline.
Comment: This sequence change replaces arginine, which is basic and polar, with tryptophan, which is neutral and slightly polar, at codon 684 of the NPHP1 protein (p.Arg684Trp). This variant is present in population databases (rs141686332, gnomAD 0.004%). This variant has not been reported in the literature in individuals affected with NPHP1-related conditions. ClinVar contains an entry for this variant (Variation ID: 942042). Algorithms developed to predict the effect of missense changes on protein structure and function are either unavailable or do not agree on the potential impact of this missense change (SIFT: "Deleterious"; PolyPhen-2: "Probably Damaging"; Align-GVGD: "Class C0"). In summary, the available evidence is currently insufficient to determine the role of this variant in disease. Therefore, it has been classified as a Variant of Uncertain Significance.